The following is an entry in ClinVar:

NM_007294.4(BRCA1):c.1714G>C (p.Glu572Gln)

Gene: BRCA1 (BRCA1 DNA repair associated; minus strand). Cytogenetic location: 17q21.31.
Variant type: single nucleotide variant.
Coding change: c.1714G>C on transcript NM_007294.4 (MANE Select); coding-DNA position 1714, G replaced by C.
Protein change: p.Glu572Gln; replaces glutamic acid 572 with glutamine.
Molecular consequence: missense variant. On other transcripts: intron variant (137).
Genome position (GRCh38, 1-based): chr17:43,093,817, C>G on the plus strand (G>C on the coding strand, the complement: BRCA1 is on the minus strand). VCF-style: chr17-43093817-C-G. GRCh37 (hg19) VCF-style: chr17-41245834-C-G.
Other names: c.577+927G>C (NM_001408485.1, NM_001408483.1, NM_001408481.1 and 9 more transcripts); c.661+927G>C (NM_001408447.1, NM_001408433.1, NM_001408446.1 and 6 more transcripts); c.784+927G>C (NM_001408400.1, NM_001408392.1, NM_001407986.1 and 13 more transcripts); c.664+927G>C (NM_001408441.1, NM_001408437.1, NM_001408429.1 and 12 more transcripts); c.787+927G>C (NM_001407979.1, NM_001407977.1, NM_001407982.1 and 19 more transcripts); c.646+927G>C (NM_001408410.1, NM_001408458.1, NM_001408469.1 and 11 more transcripts); c.709+927G>C (NM_001408415.1, NM_001408412.1, NM_001408409.1 and 2 more transcripts); c.1501G>C, p.Glu501Gln (NM_001407571.1, NM_001407853.1, NM_001407894.1 and 9 more transcripts); and 40 more; short protein forms E572Q, E525Q, E404Q, E531Q, E546Q, E571Q, E444Q, E483Q.
Identifiers: ClinVar variation 232791 (VCV000232791.16), dbSNP rs730881473, ClinGen allele CA10580656.

ClinVar aggregate classification (germline): Conflicting classifications of pathogenicity. Review status: criteria provided, conflicting classifications (1 of 4 stars). 5 submissions from 5 submitters: Uncertain significance (4); Likely benign (1). Last evaluated 2025-12-17.

Conditions:
Hereditary breast ovarian cancer syndrome. Also called: Breast and ovarian cancer; Hereditary breast and ovarian cancer; Hereditary breast and ovarian cancer syndrome; Hereditary breast and/or ovarian cancer syndrome; BRCA1- and BRCA2-Associated Hereditary Breast and Ovarian Cancer; Hereditary breast and ovarian cancer syndrome (HBOC). Identifiers: Orphanet 145, MedGen C0677776, MeSH D061325, MONDO:0003582. Disease mechanism: loss of function.
Breast-ovarian cancer, familial, susceptibility to, 1 (BROVCA1). Also called: BRCA1 Hereditary Breast and Ovarian Cancer; OVARIAN CANCER, SUSCEPTIBILITY TO. Identifiers: Orphanet 145, MedGen C2676676, MONDO:0011450, OMIM 604370. Disease mechanism: loss of function.
Hereditary cancer-predisposing syndrome. Also called: Tumor predisposition; Hereditary Cancer Syndrome; Neoplastic Syndromes, Hereditary; Hereditary neoplastic syndrome. Identifiers: Orphanet 140162, MedGen C0027672, MeSH D009386, MONDO:0015356.

Submissions (5):

Dasa
Classification: Uncertain significance for Breast-ovarian cancer, familial, susceptibility to, 1. Last evaluated: 2025-12-17. Review status: criteria provided, single submitter. Criteria: DASA Assertion Criteria. Collection method: clinical testing. Allele origin: germline.
Comment: NM_007294.4(BRCA1):c.1714G>C (p.Glu572Gln) is a missense variant that results in the substitution of glutamic acid with glutamine. This variant is rare in population databases. The currently available literature and clinical evidence are not sufficient to establish a definitive association between this variant and the reported condition. Therefore, this variant is classified as a variant of uncertain significance.

Labcorp Genetics (formerly Invitae), Labcorp
Classification: Uncertain significance for Hereditary breast ovarian cancer syndrome. Last evaluated: 2025-08-27. Review status: criteria provided, single submitter. Criteria: Invitae Variant Classification Sherloc (09022015). Collection method: clinical testing. Allele origin: germline.
Comment: This sequence change replaces glutamic acid, which is acidic and polar, with glutamine, which is neutral and polar, at codon 572 of the BRCA1 protein (p.Glu572Gln). This variant is not present in population databases (gnomAD no frequency). This variant has not been reported in the literature in individuals affected with BRCA1-related conditions. ClinVar contains an entry for this variant (Variation ID: 232791). Invitae Evidence Modeling of protein sequence and biophysical properties (such as structural, functional, and spatial information, amino acid conservation, physicochemical variation, residue mobility, and thermodynamic stability) indicates that this missense variant is not expected to disrupt BRCA1 protein function with a negative predictive value of 80%. In summary, the available evidence is currently insufficient to determine the role of this variant in disease. Therefore, it has been classified as a Variant of Uncertain Significance.

Women's Health and Genetics/Laboratory Corporation of America, LabCorp
Classification: Uncertain significance. Last evaluated: 2023-07-20. Review status: criteria provided, single submitter. Criteria: LabCorp Variant Classification Summary - May 2015. Collection method: clinical testing. Allele origin: germline.

University of Washington Department of Laboratory Medicine, University of Washington
Classification: Likely benign for Hereditary cancer-predisposing syndrome. Last evaluated: 2023-03-23. Review status: criteria provided, single submitter. Criteria: Dines et al. (Genet Med. 2020). Collection method: curation. Allele origin: germline.
Comment: Missense variant in a coldspot region where missense variants are very unlikely to be pathogenic (PMID:31911673).

BRCA1 coldspot (exon 11 using historical exon numbering). Reclassification based on statistical prior probability

Ambry Genetics
Classification: Uncertain significance for Hereditary cancer-predisposing syndrome. Last evaluated: 2015-06-22. Review status: criteria provided, single submitter. Criteria: Ambry Variant Classification Scheme 2023. Collection method: clinical testing. Allele origin: germline.
Comment: Based on insufficient or conflicting evidence, the clinical significance of this alteration remains unclear.